The following is an entry in ClinVar:

ClinVar aggregate classification (germline): Likely benign (1 of 4 stars; one submission).

Conditions:
HTT-related disorder. Also called: HTT-related condition.

Allele frequency attached by ClinVar (database versions not stated): gnomAD exomes below 0.00001.
gnomAD v4.1: 1 of 1,614,196 alleles (0.000062%); highest among the groups gnomAD compares: Non-Finnish European, 0.000085%; no homozygotes.

Submission:

PreventionGenetics, part of Exact Sciences
Classification: Likely benign for HTT-related condition. Last evaluated: 2022-04-04. Review status: criteria provided, single submitter. Criteria: ACMG Guidelines, 2015. Collection method: clinical testing. Allele origin: germline.
Comment: This variant is classified as likely benign based on ACMG/AMP sequence variant interpretation guidelines (Richards et al. 2015 PMID: 25741868, with internal and published modifications).

NM_001388492.1(HTT):c.8835C>T (p.Ala2945=)

Gene: HTT (huntingtin; plus strand). Cytogenetic location: 4p16.3.
Variant type: single nucleotide variant.
Coding change: c.8835C>T on transcript NM_001388492.1 (MANE Select); coding-DNA position 8835, C replaced by T.
Protein change: p.Ala2945=; no amino-acid change (alanine 2945 retained).
Molecular consequence: synonymous variant.
Genome position (GRCh38, 1-based): chr4:3,236,198, C>T. VCF-style: chr4-3236198-C-T. GRCh37 (hg19) VCF-style: chr4-3237925-C-T.
Other names: c.8841C>T, p.Ala2947= (NM_002111.8).
Identifiers: ClinVar variation 3032095 (VCV003032095.1), dbSNP rs2474091596, ClinGen allele CA438137804.